The following is an entry in ClinVar:

NM_004655.4(AXIN2):c.144_148delinsTATGT (p.Pro50Ser)

Gene: AXIN2 (axin 2; minus strand). Cytogenetic location: 17q24.1.
Variant type: Indel.
Coding change: c.144_148delinsTATGT on transcript NM_004655.4 (MANE Select); coding-DNA positions 144 to 148, CATGC replaced by TATGT.
Protein change: p.Pro50Ser; replaces proline 50 with serine.
Molecular consequence: missense variant.
Genome position (GRCh38, 1-based): chr17:65,558,473-65,558,477, GCATG replaced by ACATA on the plus strand (CATGC replaced by TATGT on the coding strand, the reverse complement: AXIN2 is on the minus strand). VCF-style: chr17-65558473-GCATG-ACATA. GRCh37 (hg19) VCF-style: chr17-63554591-GCATG-ACATA.
Other names: c.144_148delinsTATGT, p.Pro50Ser (NM_001363813.1); short protein forms P50S.
Identifiers: ClinVar variation 3254236 (VCV003254236.1), dbSNP rs2544254657.
Genomic context (GRCh38, chr17:65,558,473, plus strand): 5'-ATGCCCGCCCCTCCGGCTCCCCCAACCCATCTTCGTTCCGCCTGGTGTTGGAAGAGACAG[GCATG>ACATA]GGTTTGGTGACCTGGCCCTTGCCCACCCCTGGCTGACACGGTGGGGTCTCCCCTTCTTCC-3'
Protein context (NP_004646.3, residues 40-60): VGKGQVTKPM[Pro50Ser]VSSNTRRNED

ClinVar aggregate classification (germline): Benign (1 of 4 stars; one submission).

Conditions:
Oligodontia-cancer predisposition syndrome. Also called: TOOTH AGENESIS-COLORECTAL CANCER SYNDROME. Identifiers: Orphanet 300576, MedGen C1837750, MONDO:0012075, OMIM 608615. Disease mechanism: loss of function.

Submission:

Myriad Genetics, Inc.
Classification: Benign for Oligodontia-cancer predisposition syndrome. Last evaluated: 2024-06-25. Review status: criteria provided, single submitter. Criteria: Myriad Autosomal Dominant, Autosomal Recessive and X-Linked Classification Criteria (2023). Collection method: clinical testing. Allele origin: unknown.
Comment: This variant is considered benign. This variant has been observed at a population frequency that is significantly greater than expected given the associated disease prevalence and penetrance.